The following is an entry in ClinVar:

ClinVar aggregate classification (germline): Likely benign (1 of 4 stars; one submission).

gnomAD v4.1: 54 of 151,676 alleles (0.036%); highest among the groups gnomAD compares: African/African-American, 0.13%; no homozygotes.

Submission:

CeGaT Center for Human Genetics Tuebingen
Classification: Likely benign. Last evaluated: 2025-09-01. Review status: criteria provided, single submitter. Criteria: CeGaT Center For Human Genetics Tuebingen Variant Classification Criteria Version 2. Collection method: clinical testing. Allele origin: germline. Affected: yes. Observed: 1 variant allele.
Comment: ASPM: BP4, BP7

NM_018136.5(ASPM):c.8821-1154C>T

Gene: ASPM (assembly factor for spindle microtubules; minus strand). Cytogenetic location: 1q31.3.
Variant type: single nucleotide variant.
Coding change: c.8821-1154C>T on transcript NM_018136.5 (MANE Select); 1154 bases into the intron before coding-DNA position 8821, C replaced by T.
Molecular consequence: intron variant.
Genome position (GRCh38, 1-based): chr1:197,097,318, G>A on the plus strand (C>T on the coding strand, the complement: ASPM is on the minus strand). VCF-style: chr1-197097318-G-A. GRCh37 (hg19) VCF-style: chr1-197066448-G-A.
Other names: c.4066-1154C>T (NM_001206846.2).
Identifiers: ClinVar variation 4281274 (VCV004281274.7).